The following is an entry in ClinVar:

NM_001035.3(RYR2):c.5573A>G (p.Glu1858Gly)

Gene: RYR2 (ryanodine receptor 2; plus strand). Cytogenetic location: 1q43.
Variant type: single nucleotide variant.
Coding change: c.5573A>G on transcript NM_001035.3 (MANE Select); coding-DNA position 5573, A replaced by G.
Protein change: p.Glu1858Gly; replaces glutamic acid 1858 with glycine.
Molecular consequence: missense variant.
Genome position (GRCh38, 1-based): chr1:237,614,701, A>G. VCF-style: chr1-237614701-A-G. GRCh37 (hg19) VCF-style: chr1-237778001-A-G.
Other names: short protein forms E1858G.
Identifiers: ClinVar variation 4752093 (VCV004752093.1).

ClinVar aggregate classification (germline): Uncertain significance (1 of 4 stars; one submission).

Conditions:
Catecholaminergic polymorphic ventricular tachycardia 1. Also called: VENTRICULAR TACHYCARDIA, CATECHOLAMINERGIC POLYMORPHIC, 1, WITH OR WITHOUT ATRIAL DYSFUNCTION AND/OR DILATED CARDIOMYOPATHY; RYR2-Related Catecholaminergic Polymorphic Ventricular Tachycardia; VENTRICULAR TACHYCARDIA, STRESS-INDUCED POLYMORPHIC 1. Identifiers: Orphanet 3286, MedGen C1631597, MONDO:0011484, OMIM 604772.

gnomAD v4.1: 1 of 1,613,976 alleles (0.000062%); highest among the groups gnomAD compares: Non-Finnish European, 0.000085%; no homozygotes.

Submission:

Labcorp Genetics (formerly Invitae), Labcorp
Classification: Uncertain significance for Catecholaminergic polymorphic ventricular tachycardia 1. Last evaluated: 2025-05-27. Review status: criteria provided, single submitter. Criteria: Invitae Variant Classification Sherloc (09022015). Collection method: clinical testing. Allele origin: germline.
Comment: This sequence change replaces glutamic acid, which is acidic and polar, with glycine, which is neutral and non-polar, at codon 1858 of the RYR2 protein (p.Glu1858Gly). This variant is present in population databases (rs758744617, gnomAD 0.0009%). This variant has not been reported in the literature in individuals affected with RYR2-related conditions. Invitae Evidence Modeling of protein sequence and biophysical properties (such as structural, functional, and spatial information, amino acid conservation, physicochemical variation, residue mobility, and thermodynamic stability) indicates that this missense variant is not expected to disrupt RYR2 protein function with a negative predictive value of 95%. In summary, the available evidence is currently insufficient to determine the role of this variant in disease. Therefore, it has been classified as a Variant of Uncertain Significance.